The following is an entry in ClinVar:

ClinVar aggregate classification (germline): Uncertain significance. Review status: criteria provided, multiple submitters, no conflicts (2 of 4 stars). 2 submissions from 2 submitters: Uncertain significance (2). Last evaluated 2025-08-08.

Conditions:
Dyskeratosis congenita, autosomal dominant 6 (DKCA6). Identifiers: Orphanet 3322, MedGen C4225284, MONDO:0014690, OMIM 616553.
Inborn genetic diseases. Identifiers: MedGen C0950123, MeSH D030342.

gnomAD v4.1: 3 of 1,613,574 alleles (0.00019%); highest among the groups gnomAD compares: Non-Finnish European, 0.00025%; no homozygotes.

Submissions (2):

Labcorp Genetics (formerly Invitae), Labcorp
Classification: Uncertain significance for Dyskeratosis congenita, autosomal dominant 6. Last evaluated: 2025-08-08. Review status: criteria provided, single submitter. Criteria: Invitae Variant Classification Sherloc (09022015). Collection method: clinical testing. Allele origin: germline.
Comment: This sequence change replaces serine, which is neutral and polar, with phenylalanine, which is neutral and non-polar, at codon 316 of the ACD protein (p.Ser316Phe). This variant is not present in population databases (gnomAD no frequency). This variant has not been reported in the literature in individuals affected with ACD-related conditions. ClinVar contains an entry for this variant (Variation ID: 1767092). Invitae Evidence Modeling of protein sequence and biophysical properties (such as structural, functional, and spatial information, amino acid conservation, physicochemical variation, residue mobility, and thermodynamic stability) indicates that this missense variant is expected to disrupt ACD protein function with a positive predictive value of 80%. In summary, the available evidence is currently insufficient to determine the role of this variant in disease. Therefore, it has been classified as a Variant of Uncertain Significance.

Ambry Genetics
Classification: Uncertain significance for Inborn genetic diseases. Last evaluated: 2022-08-13. Review status: criteria provided, single submitter. Criteria: Ambry Variant Classification Scheme 2023. Collection method: clinical testing. Allele origin: germline.
Comment: The p.S316F variant (also known as c.947C>T), located in coding exon 8 of the ACD gene, results from a C to T substitution at nucleotide position 947. The serine at codon 316 is replaced by phenylalanine, an amino acid with highly dissimilar properties. This amino acid position is conserved. In addition, this alteration is predicted to be tolerated by in silico analysis. Since supporting evidence is limited at this time, the clinical significance of this alteration remains unclear.

NM_001082486.2(ACD):c.689C>T (p.Ser230Phe)

Gene: ACD (ACD shelterin complex subunit and telomerase recruitment factor; minus strand). Cytogenetic location: 16q22.1.
Variant type: single nucleotide variant.
Coding change: c.689C>T on transcript NM_001082486.2 (MANE Select); coding-DNA position 689, C replaced by T.
Protein change: p.Ser230Phe; replaces serine 230 with phenylalanine.
Molecular consequence: missense variant.
Genome position (GRCh38, 1-based): chr16:67,658,773, G>A on the plus strand (C>T on the coding strand, the complement: ACD is on the minus strand). VCF-style: chr16-67658773-G-A. GRCh37 (hg19) VCF-style: chr16-67692676-G-A.
Other names: c.689C>T, p.Ser230Phe (NM_001410884.1); c.680C>T, p.Ser227Phe (NM_022914.3); short protein forms S230F, S227F.
Identifiers: ClinVar variation 1767092 (VCV001767092.7), dbSNP rs752793753, ClinGen allele CA396353593.